The following is an entry in ClinVar:

ClinVar aggregate classification (germline): Likely benign. Review status: criteria provided, multiple submitters, no conflicts (2 of 4 stars). 3 submissions from 3 submitters: Likely benign (3). Last evaluated 2025-11-24.

Conditions:
Malignant hyperthermia, susceptibility to, 1 (MHS1). Also called: RYR1-Related Malignant Hyperthermia Susceptibility; Malignant hyperthermia suceptibility 1; Anesthesia related hyperthermia; Malignant hyperpyrexia; Fulminating hyperpyrexia; Pharmacogenic myopathy. Identifiers: Orphanet 423, MedGen C2930980, MONDO:0007783, OMIM 145600.
RYR1-related disorder. Also called: RYR1-related condition; RYR1-related disorders. Identifiers: MedGen CN239331.

Allele frequency attached by ClinVar (database versions not stated): ExAC 0.00001; gnomAD exomes 0.00001 and 0.00002; TOPMed 0.00003; gnomAD 0.00005.
gnomAD v4.1: 20 of 1,614,076 alleles (0.0012%); highest among the groups gnomAD compares: African/African-American, 0.0053%; no homozygotes.

Submissions (3):

Labcorp Genetics (formerly Invitae), Labcorp
Classification: Likely benign for RYR1-related disorder. Last evaluated: 2025-11-24. Review status: criteria provided, single submitter. Criteria: Invitae Variant Classification Sherloc (09022015). Collection method: clinical testing. Allele origin: germline.

All of Us Research Program, National Institutes of Health
Classification: Likely benign for Malignant hyperthermia, susceptibility to, 1. Last evaluated: 2024-02-05. Review status: criteria provided, single submitter. Criteria: ACMG Guidelines, 2015. Collection method: clinical testing. Allele origin: germline. Inheritance: Autosomal dominant inheritance. Observed: 3 variant alleles, 3 heterozygotes.
Comment: This study involves interpretation of variants in research participants for the purpose of population health screening. Participant phenotype was not available at the time of variant classification. Additional details can be found in publication PMID: 35346344, PMCID: PMC8962531

Color Diagnostics, LLC DBA Color Health
Classification: Likely benign for Malignant hyperthermia, susceptibility to, 1. Last evaluated: 2022-11-06. Review status: criteria provided, single submitter. Criteria: ACMG Guidelines, 2015. Collection method: clinical testing. Allele origin: germline.

NM_000540.3(RYR1):c.5961C>T (p.Thr1987=)

Gene: RYR1 (ryanodine receptor 1; plus strand). Cytogenetic location: 19q13.2.
Variant type: single nucleotide variant.
Coding change: c.5961C>T on transcript NM_000540.3 (MANE Select); coding-DNA position 5961, C replaced by T.
Protein change: p.Thr1987=; no amino-acid change (threonine 1987 retained).
Molecular consequence: synonymous variant.
Genome position (GRCh38, 1-based): chr19:38,490,222, C>T. VCF-style: chr19-38490222-C-T. GRCh37 (hg19) VCF-style: chr19-38980862-C-T.
Other names: c.5961C>T, p.Thr1987= (NM_001042723.2).
Identifiers: ClinVar variation 1138611 (VCV001138611.10), dbSNP rs775804652, ClinGen allele CA067589.
Genomic context (GRCh38, chr19:38,490,222, plus strand): 5'-CAAGCTCCAGGCCAACCAGCGGAGCCGCTATGGCCTCCTCATAAAAGCCTTCAGCATGAC[C>T]GCAGCAGAGACTGCAAGACGTACCCGCGAGTTCCGCTCCCCACCCCAGGAACAGGTCATC-3'
Protein context (NP_000531.2, residues 1977-1997): YGLLIKAFSM[Thr1987=]AAETARRTRE